The following is an entry in ClinVar:

NM_001042545.2(LTBP4):c.1927G>T (p.Asp643Tyr)

Gene: LTBP4 (latent transforming growth factor beta binding protein 4; plus strand). Cytogenetic location: 19q13.2.
Variant type: single nucleotide variant.
Coding change: c.1927G>T on transcript NM_001042545.2 (MANE Select); coding-DNA position 1927, G replaced by T.
Protein change: p.Asp643Tyr; replaces aspartic acid 643 with tyrosine.
Molecular consequence: missense variant.
Genome position (GRCh38, 1-based): chr19:40,611,268, G>T. VCF-style: chr19-40611268-G-T. GRCh37 (hg19) VCF-style: chr19-41117174-G-T.
Other names: c.2128G>T, p.Asp710Tyr (NM_001042544.1); c.2017G>T, p.Asp673Tyr (NM_003573.2); short protein forms D673Y, D643Y, D710Y.
Identifiers: ClinVar variation 2725582 (VCV002725582.3), dbSNP rs2515360477, ClinGen allele CA405937782.

ClinVar aggregate classification (germline): Uncertain significance (1 of 4 stars; one submission).

Submission:

Labcorp Genetics (formerly Invitae), Labcorp
Classification: Uncertain significance. Last evaluated: 2023-06-23. Review status: criteria provided, single submitter. Criteria: Invitae Variant Classification Sherloc (09022015). Collection method: clinical testing. Allele origin: germline.
Comment: In summary, the available evidence is currently insufficient to determine the role of this variant in disease. Therefore, it has been classified as a Variant of Uncertain Significance. Experimental studies and prediction algorithms are not available or were not evaluated, and the functional significance of this variant is currently unknown. This variant is not present in population databases (gnomAD no frequency). This variant has not been reported in the literature in individuals affected with LTBP4-related conditions. This sequence change replaces aspartic acid, which is acidic and polar, with tyrosine, which is neutral and polar, at codon 673 of the LTBP4 protein (p.Asp673Tyr).